The following is an entry in ClinVar:

ClinVar aggregate classification (germline): Likely benign (1 of 4 stars; one submission).

Allele frequency attached by ClinVar (database versions not stated): gnomAD exomes below 0.00001; ExAC 0.00001.
gnomAD v4.1: 5 of 1,207,172 alleles (0.00041%); highest among the groups gnomAD compares: South Asian, 0.0018%; no homozygotes.

Submission:

CeGaT Center for Human Genetics Tuebingen
Classification: Likely benign. Last evaluated: 2022-06-01. Review status: criteria provided, single submitter. Criteria: CeGaT Center For Human Genetics Tuebingen Variant Classification Criteria Version 2. Collection method: clinical testing. Allele origin: germline. Affected: yes. Observed: 1 variant allele.
Comment: ZNF182: BP4, BP7

NM_001007088.2(ZNF182):c.1710A>G (p.Gln570=)

Gene: ZNF182 (zinc finger protein 182; minus strand). Cytogenetic location: Xp11.23.
Variant type: single nucleotide variant.
Coding change: c.1710A>G on transcript NM_001007088.2 (MANE Select); coding-DNA position 1710, A replaced by G.
Protein change: p.Gln570=; no amino-acid change (glutamine 570 retained).
Molecular consequence: synonymous variant.
Genome position (GRCh38, 1-based): chrX:47,976,320, T>C on the plus strand (A>G on the coding strand, the complement: ZNF182 is on the minus strand). VCF-style: chrX-47976320-T-C. GRCh37 (hg19) VCF-style: chrX-47835719-T-C.
Other names: c.1767A>G, p.Gln589= (NM_001178099.2, NM_006962.2).
Identifiers: ClinVar variation 2660439 (VCV002660439.24), dbSNP rs781841316, ClinGen allele CA10400037.
Genomic context (GRCh38, chrX:47,976,320, plus strand): 5'-TTGGGTAAAGGCTTTCCCACATTCTGTACATTTATAGGGTTTCTCTCCAGTATGAGTTCT[T>C]TGATGTACAGTGAATGTTGACTTTTCTCGGAAGGCTTTGCCACACTCAGTGCATGCATAG-3'
Protein context (NP_001007089.1, residues 560-580): FREKSTFTVH[Gln570=]RTHTGEKPYK